The following is an entry in ClinVar:

ClinVar aggregate classification (germline): Uncertain significance (1 of 4 stars; one submission).

Submission:

Dasa
Classification: Uncertain significance. Last evaluated: 2025-11-10. Review status: criteria provided, single submitter. Criteria: DASA Assertion Criteria. Collection method: clinical testing. Allele origin: germline.
Comment: NM_001384160.1(FBLN5):c.1363T>C (p.Cys455Arg) is a missense variant that results in the substitution of cysteine with arginine. This variant is rare in population databases. Computational prediction algorithms are consistent with a benign effect. The currently available literature and clinical evidence are not sufficient to establish a definitive association between this variant and the reported condition. Therefore, this variant is classified as a variant of uncertain significance.

NM_006329.4(FBLN5):c.1186-3113T>C

Gene: FBLN5 (fibulin 5; minus strand). Cytogenetic location: 14q32.12.
Variant type: single nucleotide variant.
Coding change: c.1186-3113T>C on transcript NM_006329.4 (MANE Select); 3113 bases into the intron before coding-DNA position 1186, T replaced by C.
Molecular consequence: intron variant. On other transcripts: missense variant (2).
Genome position (GRCh38, 1-based): chr14:91,873,498, A>G on the plus strand (T>C on the coding strand, the complement: FBLN5 is on the minus strand). VCF-style: chr14-91873498-A-G. GRCh37 (hg19) VCF-style: chr14-92339842-A-G.
Other names: c.1363T>C, p.Cys455Arg (NM_001384160.1); c.1195T>C, p.Cys399Arg (NM_001384161.1); c.1309-3113T>C (NM_001384158.1); c.1018-3113T>C (NM_001384162.1); c.1237-3113T>C (NM_001384159.1); short protein forms C399R, C455R.
Identifiers: ClinVar variation 5020804 (VCV005020804.1).